The following is an entry in ClinVar:

NM_004260.4(RECQL4):c.1031G>T (p.Arg344Leu)

Gene: RECQL4 (RecQ like helicase 4; minus strand). Cytogenetic location: 8q24.3.
Variant type: single nucleotide variant.
Coding change: c.1031G>T on transcript NM_004260.4 (MANE Select); coding-DNA position 1031, G replaced by T.
Protein change: p.Arg344Leu; replaces arginine 344 with leucine.
Molecular consequence: missense variant.
Genome position (GRCh38, 1-based): chr8:144,516,088, C>A on the plus strand (G>T on the coding strand, the complement: RECQL4 is on the minus strand). VCF-style: chr8-144516088-C-A. GRCh37 (hg19) VCF-style: chr8-145741472-C-A.
Other names: short protein forms R344L.
Identifiers: ClinVar variation 843035 (VCV000843035.6), dbSNP rs745874353, ClinGen allele CA372688251.

ClinVar aggregate classification (germline): Uncertain significance. Review status: criteria provided, multiple submitters, no conflicts (2 of 4 stars). 2 submissions from 2 submitters: Uncertain significance (2). Last evaluated 2025-03-25.

Conditions:
Inborn genetic diseases. Identifiers: MedGen C0950123, MeSH D030342.
Baller-Gerold syndrome (BGS). Also called: CRANIOSYNOSTOSIS WITH RADIAL DEFECTS. Identifiers: Orphanet 1225, MedGen C0265308, MONDO:0009039, OMIM 218600.

gnomAD v4.1: 2 of 1,612,686 alleles (0.00012%); highest among the groups gnomAD compares: East Asian, 0.0022%; no homozygotes.

Submissions (2):

Ambry Genetics
Classification: Uncertain significance for Inborn genetic diseases. Last evaluated: 2025-03-25. Review status: criteria provided, single submitter. Criteria: Ambry Variant Classification Scheme 2023. Collection method: clinical testing. Allele origin: germline.
Comment: The p.R344L variant (also known as c.1031G>T), located in coding exon 5 of the RECQL4 gene, results from a G to T substitution at nucleotide position 1031. The arginine at codon 344 is replaced by leucine, an amino acid with dissimilar properties. This amino acid position is conserved. In addition, the in silico prediction for this alteration is inconclusive. Based on the available evidence, the clinical significance of this variant remains unclear.

Labcorp Genetics (formerly Invitae), Labcorp
Classification: Uncertain significance for Baller-Gerold syndrome. Last evaluated: 2023-06-15. Review status: criteria provided, single submitter. Criteria: Invitae Variant Classification Sherloc (09022015). Collection method: clinical testing. Allele origin: germline.
Comment: Advanced modeling of protein sequence and biophysical properties (such as structural, functional, and spatial information, amino acid conservation, physicochemical variation, residue mobility, and thermodynamic stability) performed at Invitae indicates that this missense variant is not expected to disrupt RECQL4 protein function. ClinVar contains an entry for this variant (Variation ID: 843035). This variant has not been reported in the literature in individuals affected with RECQL4-related conditions. This variant is not present in population databases (gnomAD no frequency). This sequence change replaces arginine, which is basic and polar, with leucine, which is neutral and non-polar, at codon 344 of the RECQL4 protein (p.Arg344Leu). In summary, the available evidence is currently insufficient to determine the role of this variant in disease. Therefore, it has been classified as a Variant of Uncertain Significance. Algorithms developed to predict the effect of sequence changes on RNA splicing suggest that this variant may create or strengthen a splice site.